The following is an entry in ClinVar:

NM_003052.5(SLC34A1):c.80C>T (p.Thr27Met)

Gene: SLC34A1 (solute carrier family 34 member 1; plus strand). Cytogenetic location: 5q35.3.
Variant type: single nucleotide variant.
Coding change: c.80C>T on transcript NM_003052.5 (MANE Select); coding-DNA position 80, C replaced by T.
Protein change: p.Thr27Met; replaces threonine 27 with methionine.
Molecular consequence: missense variant.
Genome position (GRCh38, 1-based): chr5:177,385,821, C>T. VCF-style: chr5-177385821-C-T. GRCh37 (hg19) VCF-style: chr5-176812822-C-T.
Other names: c.80C>T, p.Thr27Met (NM_001167579.2); short protein forms T27M.
Identifiers: ClinVar variation 2059750 (VCV002059750.2), dbSNP rs139640340, ClinGen allele CA3580233.

ClinVar aggregate classification (germline): Uncertain significance. Review status: criteria provided, multiple submitters, no conflicts (2 of 4 stars). 2 submissions from 2 submitters: Uncertain significance (2). Last evaluated 2024-05-23.

Conditions:
Fanconi renotubular syndrome 2 (FRTS2). Identifiers: MedGen C3150652, MONDO:0013247, OMIM 613388.
Hypophosphatemic nephrolithiasis/osteoporosis 1. Identifiers: Orphanet 244305, MedGen C2676786, MONDO:0012850, OMIM 612286.
Hypercalcemia, infantile, 2 (HCINF2). Identifiers: Orphanet 300547, MedGen C4310473, MONDO:0014851, OMIM 616963.

Allele frequency attached by ClinVar (database versions not stated): ExAC 0.00001; gnomAD 0.00003; gnomAD exomes 0.00003; TOPMed 0.00003; ESP Exome Variant Server 0.00008.
gnomAD v4.1: 52 of 1,613,402 alleles (0.0032%); highest among the groups gnomAD compares: Middle Eastern, 0.016%; 1 homozygote.

Submissions (2):

Fulgent Genetics
Classification: Uncertain significance for Hypophosphatemic nephrolithiasis/osteoporosis 1; Fanconi renotubular syndrome 2; Hypercalcemia, infantile, 2. Last evaluated: 2024-05-23. Review status: criteria provided, single submitter. Criteria: ACMG Guidelines, 2015. Collection method: clinical testing. Allele origin: germline.

Labcorp Genetics (formerly Invitae), Labcorp
Classification: Uncertain significance. Last evaluated: 2022-07-26. Review status: criteria provided, single submitter. Criteria: Invitae Variant Classification Sherloc (09022015). Collection method: clinical testing. Allele origin: germline.
Comment: This sequence change replaces threonine, which is neutral and polar, with methionine, which is neutral and non-polar, at codon 27 of the SLC34A1 protein (p.Thr27Met). This variant is present in population databases (rs139640340, gnomAD 0.006%). This missense change has been observed in individual(s) with clinical features of SLC34A1-related conditions (PMID: 33964006). Algorithms developed to predict the effect of missense changes on protein structure and function are either unavailable or do not agree on the potential impact of this missense change (SIFT: "Deleterious"; PolyPhen-2: "Benign"; Align-GVGD: "Class C0"). In summary, the available evidence is currently insufficient to determine the role of this variant in disease. Therefore, it has been classified as a Variant of Uncertain Significance.

Literature cited by the submitters: PubMed 33964006 (cited by Labcorp Genetics (formerly Invitae), Labcorp).